The following is an entry in ClinVar:

NM_020975.6(RET):c.2758A>G (p.Ile920Val)

Gene: RET (ret proto-oncogene; plus strand). Cytogenetic location: 10q11.21.
Variant type: single nucleotide variant.
Coding change: c.2758A>G on transcript NM_020975.6 (MANE Select); coding-DNA position 2758, A replaced by G.
Protein change: p.Ile920Val; replaces isoleucine 920 with valine.
Molecular consequence: missense variant.
Genome position (GRCh38, 1-based): chr10:43,121,973, A>G. VCF-style: chr10-43121973-A-G. GRCh37 (hg19) VCF-style: chr10-43617421-A-G.
Other names: c.2758A>G, p.Ile920Val (NM_000323.2, NM_001406743.1, NM_001406744.1 and 4 more transcripts); c.1996A>G, p.Ile666Val (NM_001355216.2); c.2629A>G, p.Ile877Val (NM_001406761.1, NM_001406762.1, NM_001406764.1); c.2623A>G, p.Ile875Val (NM_001406763.1, NM_001406765.1); c.2470A>G, p.Ile824Val (NM_001406766.1, NM_001406767.1, NM_001406770.1); c.2494A>G, p.Ile832Val (NM_001406768.1); c.2362A>G, p.Ile788Val (NM_001406769.1, NM_001406772.1); c.2320A>G, p.Ile774Val (NM_001406771.1, NM_001406773.1); and 10 more; short protein forms I920V, I666V, I437V, I576V, I590V, I788V, I875V, I485V.
Identifiers: ClinVar variation 543746 (VCV000543746.17), dbSNP rs527787676, ClinGen allele CA040857.

ClinVar aggregate classification (germline): Conflicting classifications of pathogenicity. Review status: criteria provided, conflicting classifications (1 of 4 stars). 5 submissions from 5 submitters: Uncertain significance (3); Likely benign (2). Last evaluated 2025-11-22.

Conditions:
Hereditary cancer-predisposing syndrome. Also called: Neoplastic Syndromes, Hereditary; Hereditary Cancer Syndrome; Tumor predisposition; Hereditary neoplastic syndrome. Identifiers: Orphanet 140162, MedGen C0027672, MeSH D009386, MONDO:0015356.
Multiple endocrine neoplasia, type 2 (MEN2). Identifiers: Orphanet 653, MedGen C4048306, MONDO:0019003. Disease mechanism: gain of function.
Pheochromocytoma. Also called: MAX-Related Hereditary Paraganglioma-Pheochromocytoma Syndrome. Identifiers: Orphanet 29072, MedGen C0031511, MONDO:0008233, OMIM 171300, HP:0002666.
Familial medullary thyroid carcinoma (MTC). Also called: Thyroid cancer, familial medullary; MTC, familial; Familial Medullary Thyroid Carcinoma (FMTC). Identifiers: Orphanet 653, Orphanet 99361, MedGen C1833921, MONDO:0007958, OMIM 155240.
Multiple endocrine neoplasia type 2B. Also called: Multiple endocrine neoplasia, type 3; MULTIPLE ENDOCRINE NEOPLASIA, TYPE IIB; MUCOSAL NEUROMA SYNDROME; MEN 2B; Multiple Endocrine Neoplasia Type 2B (MEN2B); MEN IIB. Identifiers: Orphanet 247709, Orphanet 653, MedGen C0025269, MeSH D018814, MONDO:0008082, OMIM 162300.
Multiple endocrine neoplasia type 2A. Also called: MULTIPLE ENDOCRINE NEOPLASIA, TYPE IIA; PTC SYNDROME; SIPPLE SYNDROME; MEN 2A; MEN-2A syndrome; Pheochromocytoma and amyloid producing medullary thyroid carcinoma. Identifiers: Orphanet 247698, Orphanet 653, MedGen C0025268, MeSH D018813, MONDO:0008234, OMIM 171400.
Hirschsprung disease, susceptibility to, 1 (HSCR1). Also called: RET-Related Hirschsprung Disease. Identifiers: Orphanet 388, MedGen C3888239, MONDO:0007723, OMIM 142623.

Allele frequency attached by ClinVar (database versions not stated): gnomAD exomes below 0.00001 and 0.00002; gnomAD 0.00001; ExAC 0.00002; TOPMed 0.00002; 1000 Genomes Project 30x 0.00016; 1000 Genomes Project 0.00020.
gnomAD v4.1: 9 of 1,613,788 alleles (0.00056%); highest among the groups gnomAD compares: African/African-American, 0.008%; no homozygotes.

Submissions (5):

Labcorp Genetics (formerly Invitae), Labcorp
Classification: Uncertain significance for Multiple endocrine neoplasia, type 2. Last evaluated: 2025-11-22. Review status: criteria provided, single submitter. Criteria: Invitae Variant Classification Sherloc (09022015). Collection method: clinical testing. Allele origin: germline.
Comment: This sequence change replaces isoleucine, which is neutral and non-polar, with valine, which is neutral and non-polar, at codon 920 of the RET protein (p.Ile920Val). This variant is present in population databases (rs527787676, gnomAD 0.01%). This variant has not been reported in the literature in individuals affected with RET-related conditions. ClinVar contains an entry for this variant (Variation ID: 543746). An algorithm developed to predict the effect of missense changes on protein structure and function (PolyPhen-2) suggests that this variant is likely to be disruptive. In summary, the available evidence is currently insufficient to determine the role of this variant in disease. Therefore, it has been classified as a Variant of Uncertain Significance.

Myriad Genetics, Inc.
Classification: Likely benign for Multiple endocrine neoplasia type 2A. Last evaluated: 2024-08-14. Review status: criteria provided, single submitter. Criteria: Myriad Autosomal Dominant, Autosomal Recessive and X-Linked Classification Criteria (2023). Collection method: clinical testing. Allele origin: unknown.
Comment: This variant is considered likely benign. This variant has been observed at a population frequency that is significantly greater than expected given the associated disease prevalence and penetrance.

Fulgent Genetics
Classification: Uncertain significance for Hirschsprung disease, susceptibility to, 1; Familial medullary thyroid carcinoma; Multiple endocrine neoplasia type 2B; Pheochromocytoma; Multiple endocrine neoplasia type 2A. Last evaluated: 2024-03-02. Review status: criteria provided, single submitter. Criteria: ACMG Guidelines, 2015. Collection method: clinical testing. Allele origin: germline.

All of Us Research Program, National Institutes of Health
Classification: Uncertain significance for Multiple endocrine neoplasia, type 2. Last evaluated: 2023-12-01. Review status: criteria provided, single submitter. Criteria: ACMG Guidelines, 2015. Collection method: clinical testing. Allele origin: germline. Inheritance: Autosomal dominant inheritance. Observed: 3 variant alleles, 3 heterozygotes.
Comment: This missense variant replaces isoleucine with valine at codon 920 of the RET protein. Computational prediction is inconclusive regarding the impact of this variant on protein structure and function (internally defined REVEL score threshold 0.5 < inconclusive < 0.7, PMID: 27666373). To our knowledge, functional studies have not been reported for this variant. This variant has not been reported in individuals affected with hereditary cancer in the literature. This variant has been identified in 4/251482 chromosomes in the general population by the Genome Aggregation Database (gnomAD). The available evidence is insufficient to determine the role of this variant in disease conclusively. Therefore, this variant is classified as a Variant of Uncertain Significance.

This study involves interpretation of variants in research participants for the purpose of population health screening. Participant phenotype was not available at the time of variant classification. Additional details can be found in publication PMID: 35346344, PMCID: PMC8962531

Ambry Genetics
Classification: Likely benign for Hereditary cancer-predisposing syndrome. Last evaluated: 2023-03-02. Review status: criteria provided, single submitter. Criteria: Ambry Variant Classification Scheme 2023. Collection method: clinical testing. Allele origin: germline.